The following is an entry in ClinVar:

ClinVar aggregate classification (germline): Uncertain significance (1 of 4 stars; one submission).

Submission:

Labcorp Genetics (formerly Invitae), Labcorp
Classification: Uncertain significance. Last evaluated: 2022-06-13. Review status: criteria provided, single submitter. Criteria: Invitae Variant Classification Sherloc (09022015). Collection method: clinical testing. Allele origin: germline.
Comment: In summary, the available evidence is currently insufficient to determine the role of this variant in disease. Therefore, it has been classified as a Variant of Uncertain Significance. This variant has not been reported in the literature in individuals affected with MATN3-related conditions. This variant is present in population databases (rs780581830, gnomAD 0.02%). This sequence change creates a premature translational stop signal (p.Gly294Aspfs*4) in the MATN3 gene. It is expected to result in an absent or disrupted protein product. However, the current clinical and genetic evidence is not sufficient to establish whether loss-of-function variants in MATN3 cause disease.

NM_002381.5(MATN3):c.881del (p.Gly294fs)

Genes: MATN3 (matrilin 3; minus strand), WDR35-DT (WDR35 divergent transcript; plus strand). Cytogenetic location: 2p24.1.
Variant type: Deletion.
Coding change: c.881del on transcript NM_002381.5 (MANE Select); coding-DNA position 881, one base deleted (G; older notation c.881delG).
Protein change: p.Gly294fs; shifts the reading frame from glycine 294.
Molecular consequence: frameshift variant.
Genome position (GRCh38, 1-based): chr2:20,003,196, C deleted on the plus strand (G on the coding strand, the reverse complement: MATN3 is on the minus strand); the first of 2 consecutive C bases (chr2:20,003,196-20,003,197); deleting either gives the same sequence. VCF-style (leftmost placement, unchanged base first): chr2-20003195-TC-T. GRCh37 (hg19) VCF-style: chr2-20202956-TC-T.
Other names: short protein forms G294fs.
Identifiers: ClinVar variation 1497949 (VCV001497949.6), dbSNP rs780581830, ClinGen allele CA1543870.